The following is an entry in ClinVar:

NM_006949.4(STXBP2):c.880A>G (p.Met294Val)

Gene: STXBP2 (syntaxin binding protein 2; plus strand). Cytogenetic location: 19p13.2.
Variant type: single nucleotide variant.
Coding change: c.880A>G on transcript NM_006949.4 (MANE Select); coding-DNA position 880, A replaced by G.
Protein change: p.Met294Val; replaces methionine 294 with valine.
Molecular consequence: missense variant. On other transcripts: non-coding transcript variant (1).
Genome position (GRCh38, 1-based): chr19:7,642,514, A>G. VCF-style: chr19-7642514-A-G. GRCh37 (hg19) VCF-style: chr19-7707400-A-G.
Other names: c.871A>G, p.Met291Val (NM_001127396.3); c.913A>G, p.Met305Val (NM_001272034.2); c.784A>G, p.Met262Val (NM_001414484.1); short protein forms M294V, M305V, M291V, M262V.
Identifiers: ClinVar variation 4780832 (VCV004780832.1).

ClinVar aggregate classification (germline): Uncertain significance (1 of 4 stars; one submission).

Conditions:
Familial hemophagocytic lymphohistiocytosis 5. Also called: STXBP2-Related Familial Hemophagocytic Lymphohistiocytosis (STXBP2-fHLH). Identifiers: Orphanet 540, MedGen C2751293, MONDO:0013135, OMIM 613101.

Submission:

Labcorp Genetics (formerly Invitae), Labcorp
Classification: Uncertain significance for Familial hemophagocytic lymphohistiocytosis 5. Last evaluated: 2025-10-15. Review status: criteria provided, single submitter. Criteria: Invitae Variant Classification Sherloc (09022015). Collection method: clinical testing. Allele origin: germline.
Comment: This sequence change replaces methionine, which is neutral and non-polar, with valine, which is neutral and non-polar, at codon 294 of the STXBP2 protein (p.Met294Val). This variant is not present in population databases (gnomAD no frequency). This variant has not been reported in the literature in individuals affected with STXBP2-related conditions. Invitae Evidence Modeling of protein sequence and biophysical properties (such as structural, functional, and spatial information, amino acid conservation, physicochemical variation, residue mobility, and thermodynamic stability) indicates that this missense variant is not expected to disrupt STXBP2 protein function with a negative predictive value of 95%. In summary, the available evidence is currently insufficient to determine the role of this variant in disease. Therefore, it has been classified as a Variant of Uncertain Significance.